The following is an entry in ClinVar:

NM_139319.3(SLC17A8):c.743C>T (p.Ser248Phe)

Gene: SLC17A8 (solute carrier family 17 member 8; plus strand). Cytogenetic location: 12q23.1.
Variant type: single nucleotide variant.
Coding change: c.743C>T on transcript NM_139319.3 (MANE Select); coding-DNA position 743, C replaced by T.
Protein change: p.Ser248Phe; replaces serine 248 with phenylalanine.
Molecular consequence: missense variant.
Genome position (GRCh38, 1-based): chr12:100,401,843, C>T. VCF-style: chr12-100401843-C-T. GRCh37 (hg19) VCF-style: chr12-100795621-C-T.
Other names: c.743C>T, p.Ser248Phe (NM_001145288.2); short protein forms S248F.
Identifiers: ClinVar variation 2662447 (VCV002662447.1), dbSNP rs148922269, ClinGen allele CA242341304.
Genomic context (GRCh38, chr12:100,401,843, plus strand): 5'-ATGCAGGGGCAGTGGTTGCCATGCCCCTGGCTGGGGTGTTGGTGCAGTACATTGGATGGT[C>T]CTCTGTCTTTTATATTTATGGTGAGTGATTTGACTTCACAAGTTCACATGTGACTCATAG-3'
Protein context (NP_647480.1, residues 238-258): AGVLVQYIGW[Ser248Phe]SVFYIYGMFG

ClinVar aggregate classification (germline): Uncertain significance (1 of 4 stars; one submission).

Submission:

GeneDx
Classification: Uncertain significance. Last evaluated: 2023-04-07. Review status: criteria provided, single submitter. Criteria: GeneDx Variant Classification Process June 2021. Collection method: clinical testing. Allele origin: germline. Affected: yes.
Comment: In silico analysis supports that this missense variant has a deleterious effect on protein structure/function; Has not been previously published as pathogenic or benign to our knowledge